The following is an entry in ClinVar:

NM_003632.3(CNTNAP1):c.68-4C>T

Genes: CNTNAP1 (contactin associated protein 1; plus strand), LOC125177481 (Sharpr-MPRA regulatory region 245; plus strand). Cytogenetic location: 17q21.2.
Variant type: single nucleotide variant.
Coding change: c.68-4C>T on transcript NM_003632.3 (MANE Select); 4 bases into the intron before coding-DNA position 68, C replaced by T.
Molecular consequence: intron variant.
Genome position (GRCh38, 1-based): chr17:42,683,817, C>T. VCF-style: chr17-42683817-C-T. GRCh37 (hg19) VCF-style: chr17-40835835-C-T.
Identifiers: ClinVar variation 2230851 (VCV002230851.2), dbSNP rs2543786098, ClinGen allele CA2580093753.
Genomic context (GRCh38, chr17:42,683,817, plus strand): 5'-GGCCGGCCTTTGGAAGGGTCTGGGAGGGGCCAGCGCTGACTAACAGTCGGTTTCCCTACC[C>T]TAGACGGCTGCGACGAGGAGCTGGTGGGTCCCCTGTATGCACGCTCCCTGGGCGCCTCCT-3'

ClinVar aggregate classification (germline): Uncertain significance (1 of 4 stars; one submission).

Conditions:
Inborn genetic diseases. Identifiers: MedGen C0950123, MeSH D030342.

gnomAD v4.1: 1 of 1,610,704 alleles (0.000062%); highest among the groups gnomAD compares: South Asian, 0.0011%; no homozygotes.

Submission:

Ambry Genetics
Classification: Uncertain significance for Inborn genetic diseases. Last evaluated: 2021-05-11. Review status: criteria provided, single submitter. Criteria: Ambry Variant Classification Scheme 2023. Collection method: clinical testing. Allele origin: germline.
Comment: The c.68-4C>T intronic alteration consists of a C to T substitution 4 nucleotides before coding exon 2 in the CNTNAP1 gene. Based on insufficient or conflicting evidence, the clinical significance of this alteration remains unclear.